The following is an entry in ClinVar:

NM_000091.5(COL4A3):c.272G>A (p.Gly91Asp)

Genes: MFF-DT (MFF divergent transcript; minus strand), COL4A3 (collagen type IV alpha 3 chain; plus strand). Cytogenetic location: 2q36.3.
Variant type: single nucleotide variant.
Coding change: c.272G>A on transcript NM_000091.5 (MANE Select); coding-DNA position 272, G replaced by A.
Protein change: p.Gly91Asp; replaces glycine 91 with aspartic acid.
Molecular consequence: missense variant.
Genome position (GRCh38, 1-based): chr2:227,244,357, G>A. VCF-style: chr2-227244357-G-A. GRCh37 (hg19) VCF-style: chr2-228109073-G-A.
Other names: c.272G>A (NM_000091.4); short protein forms G91D.
Identifiers: ClinVar variation 1057850 (VCV001057850.15), dbSNP rs1414411811, ClinGen allele CA350860670.

ClinVar aggregate classification (germline): Pathogenic/Likely pathogenic. Review status: criteria provided, multiple submitters, no conflicts (2 of 4 stars). 6 submissions from 6 submitters: Pathogenic (1); Likely pathogenic (5). Last evaluated 2026-10-16.

Conditions:
COL4A3-related disorder. Also called: COL4A3-Related Disorders; COL4A3-related condition.
Alport syndrome 3b, autosomal recessive. Identifiers: MedGen C5882699, MONDO:0957811, OMIM 620536.
Alport syndrome. Also called: Hemorrhagic familial nephritis; Hemorrhagic hereditary nephritis; Congenital hereditary hematuria. Identifiers: Orphanet 63, MedGen C1567741, MONDO:0018965.
Autosomal dominant Alport syndrome (ATS3A). Also called: ALPORT SYNDROME 3A, AUTOSOMAL DOMINANT; Alport syndrome dominant type; Renal failure and sensorineural hearing loss. Identifiers: Orphanet 63, Orphanet 88918, MedGen C5882663, MONDO:0007086, OMIM 104200.
Hematuria, benign familial, 2 (BFH2). Identifiers: MedGen C5830421, MONDO:0958186, OMIM 620320.

Allele frequency attached by ClinVar (database versions not stated): gnomAD exomes below 0.00001; gnomAD 0.00001; TOPMed 0.00001.
gnomAD v4.1: 5 of 1,613,792 alleles (0.00031%); highest among the groups gnomAD compares: East Asian, 0.0022%; no homozygotes.

Submissions (6):

GeneDx
Classification: Likely pathogenic. Last evaluated: 2026-10-16. Review status: criteria provided, single submitter. Criteria: GeneDx Variant Classification Process June 2021. Collection method: clinical testing. Allele origin: germline.
Comment: Affects a glycine residue in a Gly-X-Y motif in the triple helical region of the COL4A3 gene, where the majority of pathogenic missense variants occur, and is predicted to disrupt normal protein folding and function (HGMD; PMID: 10752524); Not observed at significant frequency in large population cohorts (gnomAD); In silico analysis supports that this missense variant has a deleterious effect on protein structure/function; This variant is associated with the following publications: (PMID: 10752524, 30295827, 42141127)

Labcorp Genetics (formerly Invitae), Labcorp
Classification: Pathogenic. Last evaluated: 2026-01-18. Review status: criteria provided, single submitter. Criteria: Invitae Variant Classification Sherloc (09022015). Collection method: clinical testing. Allele origin: germline.
Comment: This sequence change replaces glycine, which is neutral and non-polar, with aspartic acid, which is acidic and polar, at codon 91 of the COL4A3 protein (p.Gly91Asp). This variant is present in population databases (no rsID available, gnomAD 0.06%). This missense change has been observed in individual(s) with proteinuria and hematuria (PMID: 30295827; internal data). It has also been observed to segregate with disease in related individuals. ClinVar contains an entry for this variant (Variation ID: 1057850). Invitae Evidence Modeling of protein sequence and biophysical properties (such as structural, functional, and spatial information, amino acid conservation, physicochemical variation, residue mobility, and thermodynamic stability) has been performed for this missense variant. However, the output from this modeling did not meet the statistical confidence thresholds required to predict the impact of this variant on COL4A3 protein function. This variant disrupts the p.Gly91 amino acid residue in COL4A3. Other variant(s) that disrupt this residue have been determined to be pathogenic (internal data). This suggests that this residue is clinically significant, and that variants that disrupt this residue are likely to be disease-causing. For these reasons, this variant has been classified as Pathogenic.

3billion
Classification: Likely pathogenic for Alport syndrome 3b, autosomal recessive. Last evaluated: 2025-11-14. Review status: criteria provided, single submitter. Criteria: ACMG Guidelines, 2015. Collection method: clinical testing. Allele origin: germline. Affected: yes.
Comment: The variant is observed at an extremely low frequency in the gnomAD v4.1.0 dataset (total allele frequency: <0.001%). Predicted Consequence/Location: Missense variant In silico tool predictions suggest damaging effect of the variant on gene or gene product [REVEL: 0.93 (>=0.6, sensitivity 0.68 and specificity 0.92)]. The same nucleotide change resulting in the same amino acid change has been previously reported as pathogenic/likely pathogenic with strong evidence (ClinVar ID: VCV001057850 /PMID: 30295827). Different missense changes at the same codon (p.Gly91Ala, p.Gly91Val) have been reported as pathogenic/likely pathogenic with strong evidence (ClinVar ID: VCV001961108, VCV003585968 /PMID: 26809805). Therefore, this variant is classified as Likely pathogenic according to the recommendation of ACMG/AMP guideline.

Blueprint Genetics
Classification: Likely pathogenic for COL4A3-related disorders. Last evaluated: 2024-10-28. Review status: criteria provided, single submitter. Criteria: ACMG Guidelines, 2015. Collection method: clinical testing. Allele origin: de novo. Affected: yes. Observed: 2 variant alleles.

Natera, Inc.
Classification: Likely pathogenic for Alport syndrome. Last evaluated: 2024-06-28. Review status: criteria provided, single submitter. Criteria: Natera Variant Classification Schema (03/2026). Collection method: clinical testing. Allele origin: germline.
Comment: The c.272G>A variant in COL4A3 is a missense variant predicted to cause substitution of glycine to aspartic acid at amino acid 91. This variant is rare in the general population with a frequency below the threshold expected for the associated phenotype(s). This variant has been observed in affected individual(s) with monoallelic occurrence (heterozygous/hemizygous) (PMID: 30295827). This variant is located in a functionally critical region of the protein. Computational prediction algorithms indicate this variant is likely to affect gene or protein function. Given the available evidence, this variant is classified as Likely Pathogenic.

Juno Genomics, Hangzhou Juno Genomics, Inc
Classification: Likely pathogenic for Autosomal dominant Alport syndrome; Alport syndrome 3b, autosomal recessive; Hematuria, benign familial, 2. Review status: criteria provided, single submitter. Criteria: ACMG Guidelines, 2015. Collection method: clinical testing. Allele origin: germline.
Comment: Absent from controls (or at extremely low frequency if recessive) in Genome Aggregation Database.;Multiple lines of computational evidence support a deleterious effect on the gene or gene product.;Patient's phenotype or family history is highly specific for a disease with a single genetic etiology.

Literature cited by the submitters: PubMed 30295827 (cited by 3 submitters); PubMed 26809805 (cited by 3billion).